The following is an entry in ClinVar:

NM_001614.5(ACTG1):c.94C>T (p.Pro32Ser)

Genes: ACTG1 (actin gamma 1; minus strand), LOC130061940 (ATAC-STARR-seq lymphoblastoid active region 12964; plus strand). Cytogenetic location: 17q25.3.
Variant type: single nucleotide variant.
Coding change: c.94C>T on transcript NM_001614.5 (MANE Select); coding-DNA position 94, C replaced by T.
Protein change: p.Pro32Ser; replaces proline 32 with serine.
Molecular consequence: missense variant. On other transcripts: non-coding transcript variant (1).
Genome position (GRCh38, 1-based): chr17:81,512,261, G>A on the plus strand (C>T on the coding strand, the complement: ACTG1 is on the minus strand). VCF-style: chr17-81512261-G-A. GRCh37 (hg19) VCF-style: chr17-79479287-G-A.
Other names: c.94C>T (NM_001199954.1); c.94C>T, p.Pro32Ser (NM_001199954.3); short protein forms P32S.
Identifiers: ClinVar variation 807364 (VCV000807364.17), dbSNP rs1598551290, ClinGen allele CA401463582.
Genomic context (GRCh38, chr17:81,512,261, plus strand): 5'-ACCCAGGAGCCCCGCGGCGCCATCCACTCACCTGGTGTCTGGGGCGCCCGACGATGGAAG[G>A]AAACACGGCTCGGGGAGCGTCGTCCCCAGCAAAACCAGCTTTGCACATGCCGGAGCCATT-3'
Protein context (NP_001605.1, residues 22-42): AGDDAPRAVF[Pro32Ser]SIVGRPRHQG

ClinVar aggregate classification (germline): Pathogenic/Likely pathogenic. Review status: criteria provided, multiple submitters, no conflicts (2 of 4 stars). 7 submissions from 7 submitters: Pathogenic (4); Likely pathogenic (3). Last evaluated 2025-10-13.

Conditions:
ACTG1-related disorder. Also called: ACTG1-related disorders; ACTG1-related condition.
Autosomal dominant nonsyndromic hearing loss 20. Identifiers: Orphanet 90635, MedGen C1858172, MONDO:0011480, OMIM 604717.
Baraitser-winter syndrome 2. Identifiers: Orphanet 2995, MedGen C3281235, MONDO:0013812, OMIM 614583.

Submissions (7):

Labcorp Genetics (formerly Invitae), Labcorp
Classification: Pathogenic for Baraitser-winter syndrome 2; Autosomal dominant nonsyndromic hearing loss 20. Last evaluated: 2025-10-13. Review status: criteria provided, single submitter. Criteria: Invitae Variant Classification Sherloc (09022015). Collection method: clinical testing. Allele origin: germline.
Comment: This sequence change replaces proline, which is neutral and non-polar, with serine, which is neutral and polar, at codon 32 of the ACTG1 protein (p.Pro32Ser). This variant is not present in population databases (gnomAD no frequency). This missense change has been observed in individual(s) with deafness (PMID: 29357087, 29620237). In at least one individual the variant was observed to be de novo. It has also been observed to segregate with disease in related individuals. ClinVar contains an entry for this variant (Variation ID: 807364). Invitae Evidence Modeling of protein sequence and biophysical properties (such as structural, functional, and spatial information, amino acid conservation, physicochemical variation, residue mobility, and thermodynamic stability) indicates that this missense variant is not expected to disrupt ACTG1 protein function with a negative predictive value of 80%. For these reasons, this variant has been classified as Pathogenic.

GeneDx
Classification: Pathogenic. Last evaluated: 2025-01-15. Review status: criteria provided, single submitter. Criteria: GeneDx Variant Classification Process June 2021. Collection method: clinical testing. Allele origin: germline. Affected: yes.
Comment: Missense variants in this gene are a common cause of disease and they are underrepresented in the general population; Not observed at significant frequency in large population cohorts (gnomAD); In silico analysis supports that this missense variant has a deleterious effect on protein structure/function; This variant is associated with the following publications: (PMID: 29620237, 29357087, 34416374, 39182490, 38592426)

Institute of Human Genetics, University of Leipzig Medical Center
Classification: Likely pathogenic for Autosomal dominant nonsyndromic hearing loss 20. Last evaluated: 2024-06-21. Review status: criteria provided, single submitter. Criteria: ACMG Guidelines, 2015. Collection method: clinical testing. Allele origin: unknown. Affected: yes.
Comment: Criteria applied: PS4_MOD,PS2_SUP,PM2_SUP,PP2,PP3

Wonkam Laboratory, Johns Hopkins University
Classification: Pathogenic for Autosomal dominant nonsyndromic hearing loss 20. Last evaluated: 2024-01-06. Review status: criteria provided, single submitter. Criteria: ACMG Guidelines, 2015. Collection method: research. Allele origin: germline. Inheritance: Autosomal dominant inheritance. Affected: yes. Observed: 2 variant alleles.
Comment: This variant ACTG1 c.94C>T (NM_001199954.1 ) is located a mutational hot spot and/or critical and well-established functional domain of the protein (e.g., active site of an enzyme) without benign variation (PM1), the variant is absent from controls (or at extremely low frequency if recessive) in Exome Sequencing Project, 1000 Genomes Project, or Exome Aggregation Consortium(PM2), missense variant in a gene that has a low rate of benign missense variation and in which missense variants are a common mechanism of disease (PP2), Multiple lines of computational evidence support a deleterious effect on the gene or gene product (conservation, evolutionary, splicing impact, etc.) (PP3), Patient's phenotype or family history is highly specific for a disease with a single genetic etiology (PP4), Reputable source recently reports variant as pathogenic, but the evidence is not available to the laboratory to perform an independent evaluation (PP5).

Blueprint Genetics
Classification: Pathogenic for ACTG1-related disorders. Last evaluated: 2021-12-13. Review status: criteria provided, single submitter. Criteria: ACMG Guidelines, 2015. Collection method: clinical testing. Allele origin: germline. Affected: yes. Observed: 2 variant alleles.

Institute of Human Genetics Munich, TUM University Hospital
Classification: Likely pathogenic for Autosomal dominant nonsyndromic hearing loss 20. Last evaluated: 2018-01-25. Review status: criteria provided, single submitter. Criteria: Classification criteria August 2017. Collection method: clinical testing. Allele origin: maternal. Inheritance: Autosomal dominant inheritance. Affected: yes. Observed: 2 heterozygotes.

Juno Genomics, Hangzhou Juno Genomics, Inc
Classification: Likely pathogenic for Baraitser-winter syndrome 2; Autosomal dominant nonsyndromic hearing loss 20. Review status: criteria provided, single submitter. Criteria: ACMG Guidelines, 2015. Collection method: clinical testing. Allele origin: germline. Affected: yes.
Comment: Absent from controls (or at extremely low frequency if recessive) in Genome Aggregation Database, Exome Sequencing Project, 1000 Genomes Project, or Exome Aggregation Consortium.;De novo (both maternity and paternity confirmed) in a patient with the disease and no family history.;Multiple lines of computational evidence support a deleterious effect on the gene or gene product (conservation, evolutionary, splicing impact, etc).;Missense variant in a gene that has a low rate of benign missense variation and where missense variants are a common mechanism of disease.;The prevalence of the variant in affected individuals is significantly increased compared to the prevalence in controls.

Literature cited by the submitters: PubMed 29357087 (cited by Labcorp Genetics (formerly Invitae), Labcorp); PubMed 29620237 (cited by Labcorp Genetics (formerly Invitae), Labcorp).